The following is an entry in ClinVar:

ClinVar aggregate classification (germline): Uncertain significance (1 of 4 stars; one submission).

Conditions:
Microcephaly, normal intelligence and immunodeficiency (NBS). Also called: SEEMANOVA SYNDROME II; IMMUNODEFICIENCY, MICROCEPHALY, AND CHROMOSOMAL INSTABILITY; Immunodeficiency, microcephaly with normal intelligence; BERLIN BREAKAGE SYNDROME; Nijmegen breakage syndrome; Microcephaly with normal intelligence immunodeficiency and lymphoreticular malignancies. Identifiers: Orphanet 647, MedGen C0398791, MONDO:0009623, OMIM 251260.

Submission:

Labcorp Genetics (formerly Invitae), Labcorp
Classification: Uncertain significance for Microcephaly, normal intelligence and immunodeficiency. Last evaluated: 2022-09-01. Review status: criteria provided, single submitter. Criteria: Invitae Variant Classification Sherloc (09022015). Collection method: clinical testing. Allele origin: germline.
Comment: This sequence change replaces phenylalanine, which is neutral and non-polar, with valine, which is neutral and non-polar, at codon 177 of the NBN protein (p.Phe177Val). This variant is not present in population databases (gnomAD no frequency). This variant has not been reported in the literature in individuals affected with NBN-related conditions. ClinVar contains an entry for this variant (Variation ID: 1387090). Algorithms developed to predict the effect of missense changes on protein structure and function are either unavailable or do not agree on the potential impact of this missense change (SIFT: "Deleterious"; PolyPhen-2: "Possibly Damaging"; Align-GVGD: "Class C0"). In summary, the available evidence is currently insufficient to determine the role of this variant in disease. Therefore, it has been classified as a Variant of Uncertain Significance.

NM_002485.5(NBN):c.529T>G (p.Phe177Val)

Gene: NBN (nibrin; minus strand). Cytogenetic location: 8q21.3.
Variant type: single nucleotide variant.
Coding change: c.529T>G on transcript NM_002485.5 (MANE Select); coding-DNA position 529, T replaced by G.
Protein change: p.Phe177Val; replaces phenylalanine 177 with valine.
Molecular consequence: missense variant.
Genome position (GRCh38, 1-based): chr8:89,978,275, A>C on the plus strand (T>G on the coding strand, the complement: NBN is on the minus strand). VCF-style: chr8-89978275-A-C. GRCh37 (hg19) VCF-style: chr8-90990503-A-C.
Other names: c.283T>G, p.Phe95Val (NM_001024688.3); short protein forms F95V, F177V.
Identifiers: ClinVar variation 1387090 (VCV001387090.3), dbSNP rs2129889154, ClinGen allele CA371660303.